The following is an entry in ClinVar:

NM_001377142.1(PLCB4):c.1745A>C (p.Asn582Thr)

Gene: PLCB4 (phospholipase C beta 4; plus strand). Cytogenetic location: 20p12.2.
Variant type: single nucleotide variant.
Coding change: c.1745A>C on transcript NM_001377142.1 (MANE Select); coding-DNA position 1745, A replaced by C.
Protein change: p.Asn582Thr; replaces asparagine 582 with threonine.
Molecular consequence: missense variant.
Genome position (GRCh38, 1-based): chr20:9,408,014, A>C. VCF-style: chr20-9408014-A-C. GRCh37 (hg19) VCF-style: chr20-9388661-A-C.
Other names: c.1709A>C, p.Asn570Thr (NM_000933.4, NM_001377134.2, NM_001377135.1 and 2 more transcripts); c.1745A>C, p.Asn582Thr (NM_001172646.2, NM_001377143.1); short protein forms N570T, N582T.
Identifiers: ClinVar variation 3573797 (VCV003573797.1).

ClinVar aggregate classification (germline): Uncertain significance (1 of 4 stars; one submission).

Submission:

GeneDx
Classification: Uncertain significance. Last evaluated: 2024-07-14. Review status: criteria provided, single submitter. Criteria: GeneDx Variant Classification Process June 2021. Collection method: clinical testing. Allele origin: germline. Affected: yes.
Comment: Not observed at significant frequency in large population cohorts (gnomAD); In silico analysis supports that this missense variant has a deleterious effect on protein structure/function; Has not been previously published as pathogenic or benign to our knowledge